The following is an entry in ClinVar:

ClinVar aggregate classification (germline): Uncertain significance (1 of 4 stars; one submission).

Submission:

Ambry Genetics
Classification: Uncertain significance. Last evaluated: 2026-03-14. Review status: criteria provided, single submitter. Criteria: Ambry Variant Classification Scheme 2023. Collection method: clinical testing. Allele origin: germline.
Comment: The p.V417A variant (also known as c.1250T>C), located in coding exon 8 of the ATRIP gene, results from a T to C substitution at nucleotide position 1250. The valine at codon 417 is replaced by alanine, an amino acid with similar properties. This amino acid position is conserved. In addition, this alteration is predicted to be tolerated by in silico analysis. Based on the available evidence, the clinical significance of this variant remains unclear.

NM_130384.3(ATRIP):c.1250T>C (p.Val417Ala)

Genes: ATRIP (ATR interacting protein; plus strand), ATRIP-TREX1 (ATRIP-TREX1 readthrough; plus strand). Cytogenetic location: 3p21.31.
Variant type: single nucleotide variant.
Coding change: c.1250T>C on transcript NM_130384.3 (MANE Select); coding-DNA position 1250, T replaced by C.
Protein change: p.Val417Ala; replaces valine 417 with alanine.
Molecular consequence: missense variant. On other transcripts: non-coding transcript variant (1).
Genome position (GRCh38, 1-based): chr3:48,460,304, T>C. VCF-style: chr3-48460304-T-C. GRCh37 (hg19) VCF-style: chr3-48501703-T-C.
Other names: c.869T>C, p.Val290Ala (NM_001271022.2); c.971T>C, p.Val324Ala (NM_001271023.2); c.1250T>C, p.Val417Ala (NM_032166.4); short protein forms V324A, V417A, V290A.
Identifiers: ClinVar variation 4826289 (VCV004826289.1).